The following is an entry in ClinVar:

ClinVar aggregate classification (germline): Uncertain significance (1 of 4 stars; one submission).

Conditions:
Hereditary cancer-predisposing syndrome. Also called: Neoplastic Syndromes, Hereditary; Hereditary Cancer Syndrome; Hereditary neoplastic syndrome; Tumor predisposition. Identifiers: Orphanet 140162, MedGen C0027672, MeSH D009386, MONDO:0015356.

Submission:

Ambry Genetics
Classification: Uncertain significance for Hereditary cancer-predisposing syndrome. Last evaluated: 2024-10-07. Review status: criteria provided, single submitter. Criteria: Ambry Variant Classification Scheme 2023. Collection method: clinical testing. Allele origin: germline.
Comment: The c.579C>T variant (also known as p.I193I), located in coding exon 6 of the PMS2 gene, results from a C to T substitution at nucleotide position 579. This nucleotide substitution does not change the amino acid at codon 193. This nucleotide position is well conserved in available vertebrate species. In silico splice site analysis for this alteration is inconclusive and direct evidence is insufficient at this time (Ambry internal data). Since supporting evidence is limited at this time, the clinical significance of this alteration remains unclear.

NM_000535.7(PMS2):c.579C>T (p.Ile193=)

Gene: PMS2 (PMS1 homolog 2, mismatch repair system component; minus strand). Cytogenetic location: 7p22.1.
Variant type: single nucleotide variant.
Coding change: c.579C>T on transcript NM_000535.7 (MANE Select); coding-DNA position 579, C replaced by T.
Protein change: p.Ile193=; no amino-acid change (isoleucine 193 retained).
Molecular consequence: synonymous variant. On other transcripts: non-coding transcript variant (1), intron variant (9).
Genome position (GRCh38, 1-based): chr7:5,999,234, G>A on the plus strand (C>T on the coding strand, the complement: PMS2 is on the minus strand). VCF-style: chr7-5999234-G-A. GRCh37 (hg19) VCF-style: chr7-6038865-G-A.
Other names: c.174C>T, p.Ile58= (NM_001018040.1, NM_001322003.2, NM_001322004.2 and 22 more transcripts); c.579C>T, p.Ile193= (NM_001322006.2, NM_001322014.2, NM_001406869.1 and 5 more transcripts); c.261C>T, p.Ile87= (NM_001322007.2, NM_001322008.2, NM_001406876.1 and 4 more transcripts); c.270C>T, p.Ile90= (NM_001322015.2, NM_001406875.1, NM_001406877.1 and 6 more transcripts); c.765C>T, p.Ile255= (NM_001406866.1); c.603C>T, p.Ile201= (NM_001406868.1); c.132+3219C>T (NM_001406911.1); c.133-1811C>T (NM_001322013.2, NM_001406909.1); and 4 more.
Identifiers: ClinVar variation 2566085 (VCV002566085.3), dbSNP rs2128801561, ClinGen allele CA453647237.
Genomic context (GRCh38, chr7:5,999,234, plus strand): 5'-AGGCTGTCGTTTTCCTTGTCCAAGCTGATTGGTGCAACTTACACGGATGCCTGCTGAAAT[G>A]ATACAGTATGCATGTAAGACCTGGACCATTTTGGCATACTCCTGTTTAAAAAACACAAAC-3'
Protein context (NP_000526.2, residues 183-203): KMVQVLHAYC[Ile193=]ISAGIRVSCT